The following is an entry in ClinVar:

ClinVar aggregate classification (germline): Likely benign (0 of 4 stars; one submission).

Conditions:
HDC-related disorder. Also called: HDC-related condition.

Allele frequency attached by ClinVar (database versions not stated): gnomAD exomes 0.00008; ExAC 0.00034; gnomAD 0.00100; TOPMed 0.00104; 1000 Genomes Project 0.00120; 1000 Genomes Project 30x 0.00125; ESP Exome Variant Server 0.00162.
gnomAD v4.1: 279 of 1,614,256 alleles (0.017%); highest among the groups gnomAD compares: African/African-American, 0.34%; no homozygotes.

Submission:

PreventionGenetics, part of Exact Sciences
Classification: Likely benign for HDC-related condition. Last evaluated: 2019-08-13. Review status: no assertion criteria provided. Collection method: clinical testing. Allele origin: germline.
Comment: This variant is classified as likely benign based on ACMG/AMP sequence variant interpretation guidelines (Richards et al. 2015 PMID: 25741868, with internal and published modifications).

NM_002112.4(HDC):c.561C>T (p.Ala187=)

Gene: HDC (histidine decarboxylase; minus strand). Cytogenetic location: 15q21.2.
Variant type: single nucleotide variant.
Coding change: c.561C>T on transcript NM_002112.4 (MANE Select); coding-DNA position 561, C replaced by T.
Protein change: p.Ala187=; no amino-acid change (alanine 187 retained).
Molecular consequence: synonymous variant.
Genome position (GRCh38, 1-based): chr15:50,254,545, G>A on the plus strand (C>T on the coding strand, the complement: HDC is on the minus strand). VCF-style: chr15-50254545-G-A. GRCh37 (hg19) VCF-style: chr15-50546742-G-A.
Other names: c.561C>T, p.Ala187= (NM_001306146.2).
Identifiers: ClinVar variation 3034600 (VCV003034600.2), dbSNP rs35806322, ClinGen allele CA7554829.